The following is an entry in ClinVar:

NM_012254.3(SLC27A5):c.934G>A (p.Val312Ile)

Gene: SLC27A5 (solute carrier family 27 member 5; minus strand). Cytogenetic location: 19q13.43.
Variant type: single nucleotide variant.
Coding change: c.934G>A on transcript NM_012254.3 (MANE Select); coding-DNA position 934, G replaced by A.
Protein change: p.Val312Ile; replaces valine 312 with isoleucine.
Molecular consequence: missense variant.
Genome position (GRCh38, 1-based): chr19:58,509,970, C>T on the plus strand (G>A on the coding strand, the complement: SLC27A5 is on the minus strand). VCF-style: chr19-58509970-C-T. GRCh37 (hg19) VCF-style: chr19-59021337-C-T.
Other names: p.Val312Ile; c.682G>A, p.Val228Ile (NM_001321196.2); c.934G>A (NM_012254.2); short protein forms V312I, V228I.
Identifiers: ClinVar variation 289551 (VCV000289551.12), dbSNP rs146682651, ClinGen allele CA9718148.
Genomic context (GRCh38, chr19:58,509,970, plus strand): 5'-TGTAAACCACATCATCAGCTGTGGCCCCAGATAAGGACAGCATCTTGCTCATCTGCAGTA[C>T]CCGCTCATGCGTGAGGATGGCTGGCTTCGGGAGGCCTTGGGATGAAGGCATGGCAAGGGC-3'
Protein context (NP_036386.1, residues 302-322): PKPAILTHER[Val312Ile]LQMSKMLSLS

ClinVar aggregate classification (germline): Conflicting classifications of pathogenicity. Review status: criteria provided, conflicting classifications (1 of 4 stars). 4 submissions from 4 submitters: Uncertain significance (2); Likely benign (1). 1 of the submissions does not count toward it. Last evaluated 2026-01-18.

Conditions:
SLC27A5-related disorder. Also called: SLC27A5-related condition.

Allele frequency attached by ClinVar (database versions not stated): gnomAD exomes 0.00020 and 0.00008; TOPMed 0.00083; ESP Exome Variant Server 0.00069; gnomAD 0.00079 and 0.00076; 1000 Genomes Project 0.00080; ExAC 0.00020; 1000 Genomes Project 30x 0.00078.
gnomAD v4.1: 247 of 1,613,958 alleles (0.015%); highest among the groups gnomAD compares: African/African-American, 0.29%; no homozygotes.

Submissions (4):

Labcorp Genetics (formerly Invitae), Labcorp
Classification: Likely benign. Last evaluated: 2026-01-18. Review status: criteria provided, single submitter. Criteria: Invitae Variant Classification Sherloc (09022015). Collection method: clinical testing. Allele origin: germline.

Mayo Clinic Laboratories, Mayo Clinic
Classification: Uncertain significance. Last evaluated: 2023-03-01. Review status: criteria provided, single submitter. Criteria: ACMG Guidelines, 2015. Collection method: clinical testing. Allele origin: germline. Observed: 1 variant allele.
Comment: BP4

Eurofins Ntd Llc (ga)
Classification: Uncertain significance. Last evaluated: 2018-08-15. Review status: criteria provided, single submitter. Criteria: EGL ClinVar v180209 classification definitions. Collection method: clinical testing. Allele origin: germline. Observed: 5 variant alleles, 5 heterozygotes.

PreventionGenetics, part of Exact Sciences
Classification: Likely benign for SLC27A5-related condition. Last evaluated: 2022-10-18. Review status: no assertion criteria provided. Collection method: clinical testing. Allele origin: germline. Not counted in ClinVar's aggregate classification.
Comment: This variant is classified as likely benign based on ACMG/AMP sequence variant interpretation guidelines (Richards et al. 2015 PMID: 25741868, with internal and published modifications).